The following is an entry in ClinVar:

ClinVar aggregate classification (germline): Uncertain significance. Review status: criteria provided, single submitter (1 of 4 stars). 2 submissions from 2 submitters: Uncertain significance (1). 1 of the submissions does not count toward it. Last evaluated 2025-07-29.

Conditions:
JKAMP neurodevelopmental disorder.
Neurodevelopmental disorder with seizures and impaired intellectual and language development. Identifiers: MedGen CN381014, MONDO:0981032, OMIM 621533.

Submissions (2):

Telethon Undiagnosed Diseases Program, Telethon Institute of Genetics and Medicine
Classification: Uncertain significance for JKAMP neurodevelopmental disorder. Last evaluated: 2025-07-29. Review status: criteria provided, single submitter. Criteria: ACMG Guidelines, 2015. Collection method: clinical testing. Allele origin: biparental. Inheritance: Autosomal recessive inheritance. Affected: yes. Observed: 1 homozygote.
Comment: The genomic variant c.871dup in the JKAMP gene results in a frameshift mutation designated as p.Tyr291LeufsTer27. This variant is characterized by the duplication of a nucleotide at the cDNA position 871, which leads to a shift in the reading frame of the gene. The new reading frame introduces a premature termination codon (PTC) at the 27th codon downstream of the mutation site, predicted to result in a truncated protein product.

OMIM
Classification: Pathogenic for NEURODEVELOPMENTAL DISORDER WITH SEIZURES AND IMPAIRED INTELLECTUAL AND LANGUAGE DEVELOPMENT. Last evaluated: 2026-03-10. Review status: no assertion criteria provided. Collection method: literature only. Allele origin: germline. Not counted in ClinVar's aggregate classification.

Literature cited by the submitters: PubMed 41643666 (cited by OMIM).

NM_016475.5(JKAMP):c.871dup (p.Tyr291fs)

Genes: JKAMP (JNK1/MAPK8 associated membrane protein; plus strand), L3HYPDH (trans-L-3-hydroxyproline dehydratase; minus strand). Cytogenetic location: 14q23.1.
Variant type: Duplication.
Coding change: c.871dup on transcript NM_016475.5 (MANE Select); coding-DNA position 871, one base duplicated (T; older notation c.871dupT).
Protein change: p.Tyr291fs; shifts the reading frame from tyrosine 291.
Molecular consequence: frameshift variant. On other transcripts: 3 prime UTR variant (1).
Genome position (GRCh38, 1-based): chr14:59,504,007, T duplicated; the last of 6 consecutive T bases (chr14:59,504,002-59,504,007); duplicating any one gives the same sequence. VCF-style (leftmost placement, unchanged base first): chr14-59504001-C-CT. GRCh37 (hg19) VCF-style: chr14-59970719-C-CT.
Other names: c.853dup, p.Tyr285fs (NM_001098625.3); c.913dup, p.Tyr305fs (NM_001284201.2); c.895dup, p.Tyr299fs (NM_001284202.2); c.682dup, p.Tyr228fs (NM_001284203.2); c.*152dup (NM_001284204.2); short protein forms Y228fs, Y285fs, Y291fs, Y299fs, Y305fs.
Identifiers: ClinVar variation 4072199 (VCV004072199.2).